The following is an entry in ClinVar:

ClinVar aggregate classification (germline): Uncertain significance (1 of 4 stars; one submission).

Submission:

Labcorp Genetics (formerly Invitae), Labcorp
Classification: Uncertain significance. Last evaluated: 2022-03-01. Review status: criteria provided, single submitter. Criteria: Invitae Variant Classification Sherloc (09022015). Collection method: clinical testing. Allele origin: germline.
Comment: This variant is not present in population databases (gnomAD no frequency). In summary, the available evidence is currently insufficient to determine the role of this variant in disease. Therefore, it has been classified as a Variant of Uncertain Significance. Algorithms developed to predict the effect of missense changes on protein structure and function are either unavailable or do not agree on the potential impact of this missense change (SIFT: "Deleterious"; PolyPhen-2: "Possibly Damaging"; Align-GVGD: "Class C0"). This variant has not been reported in the literature in individuals affected with USP9X-related conditions. This sequence change replaces leucine, which is neutral and non-polar, with proline, which is neutral and non-polar, at codon 2473 of the USP9X protein (p.Leu2473Pro).

NM_001039591.3(USP9X):c.7418T>C (p.Leu2473Pro)

Gene: USP9X (ubiquitin specific peptidase 9 X-linked; plus strand). Cytogenetic location: Xp11.4.
Variant type: single nucleotide variant.
Coding change: c.7418T>C on transcript NM_001039591.3 (MANE Select); coding-DNA position 7418, T replaced by C.
Protein change: p.Leu2473Pro; replaces leucine 2473 with proline.
Molecular consequence: missense variant.
Genome position (GRCh38, 1-based): chrX:41,229,766, T>C. VCF-style: chrX-41229766-T-C. GRCh37 (hg19) VCF-style: chrX-41089019-T-C.
Other names: c.7418T>C, p.Leu2473Pro (NM_001039590.3); c.7433T>C, p.Leu2478Pro (NM_001410748.1, NM_001410749.1); short protein forms L2478P, L2473P.
Identifiers: ClinVar variation 2104987 (VCV002104987.4), dbSNP rs2519414345, ClinGen allele CA412753786.
Genomic context (GRCh38, chrX:41,229,766, plus strand): 5'-ATGGTTATTTCTTGGAGAGATCACATAGTGCTAGGATGACACTTGCAAAAGCTTGTGAAC[T>C]CTGTCCAGAGGAGGTAAAAAAAGCCACCAGTGTGCAGCAGATAGAAATGGAAGAGAGCAA-3'
Protein context (NP_001034680.2, residues 2463-2483): ARMTLAKACE[Leu2473Pro]CPEEEPDDQD